The following is an entry in ClinVar:

NM_032043.3(BRIP1):c.1415A>G (p.Glu472Gly)

Gene: BRIP1 (BRCA1 interacting DNA helicase 1; minus strand). Cytogenetic location: 17q23.2.
Variant type: single nucleotide variant.
Coding change: c.1415A>G on transcript NM_032043.3 (MANE Select); coding-DNA position 1415, A replaced by G.
Protein change: p.Glu472Gly; replaces glutamic acid 472 with glycine.
Molecular consequence: missense variant.
Genome position (GRCh38, 1-based): chr17:61,793,655, T>C on the plus strand (A>G on the coding strand, the complement: BRIP1 is on the minus strand). VCF-style: chr17-61793655-T-C. GRCh37 (hg19) VCF-style: chr17-59871016-T-C.
Other names: short protein forms E472G.
Identifiers: ClinVar variation 4783552 (VCV004783552.1).
Genomic context (GRCh38, chr17:61,793,655, plus strand): 5'-ACCTGCAAAATGGGAAAAGTAGCAGTGGTGATACCCATTTTGTGTAAAGTTAAGAGCATT[T>C]CATTTCCACTCCATATTTTACAAGCTGATTCATAATCTCTTTCTACAAGATATTCAGCGT-3'
Protein context (NP_114432.2, residues 462-482): ESACKIWSGN[Glu472Gly]MLLTLHKMGI

ClinVar aggregate classification (germline): Uncertain significance (1 of 4 stars; one submission).

Conditions:
Fanconi anemia complementation group J. Also called: BRIP1-Related Fanconi Anemia. Identifiers: Orphanet 84, MedGen C1836860, MONDO:0012187, OMIM 609054.
Familial cancer of breast. Also called: Hereditary breast cancer; hereditary breast carcinoma; BREAST CANCER, FAMILIAL. Identifiers: Orphanet 227535, MedGen C0346153, MONDO:0016419, OMIM 114480. Disease mechanism: loss of function.

Submission:

Labcorp Genetics (formerly Invitae), Labcorp
Classification: Uncertain significance for Familial cancer of breast; Fanconi anemia complementation group J. Last evaluated: 2025-03-11. Review status: criteria provided, single submitter. Criteria: Invitae Variant Classification Sherloc (09022015). Collection method: clinical testing. Allele origin: germline.
Comment: This sequence change replaces glutamic acid, which is acidic and polar, with glycine, which is neutral and non-polar, at codon 472 of the BRIP1 protein (p.Glu472Gly). This variant is not present in population databases (gnomAD no frequency). This variant has not been reported in the literature in individuals affected with BRIP1-related conditions. Invitae Evidence Modeling of protein sequence and biophysical properties (such as structural, functional, and spatial information, amino acid conservation, physicochemical variation, residue mobility, and thermodynamic stability) has been performed for this missense variant. However, the output from this modeling did not meet the statistical confidence thresholds required to predict the impact of this variant on BRIP1 protein function. In summary, the available evidence is currently insufficient to determine the role of this variant in disease. Therefore, it has been classified as a Variant of Uncertain Significance.